The following is an entry in ClinVar:

NM_016333.4(SRRM2):c.172del (p.Leu58fs)

Gene: SRRM2 (serine/arginine repetitive matrix 2; plus strand). Cytogenetic location: 16p13.3.
Variant type: Deletion.
Coding change: c.172del on transcript NM_016333.4 (MANE Select); coding-DNA position 172, one base deleted (C; older notation c.172delC).
Protein change: p.Leu58fs; shifts the reading frame from leucine 58.
Molecular consequence: frameshift variant.
Genome position (GRCh38, 1-based): chr16:2,756,536, C deleted; the last of 2 consecutive C bases (chr16:2,756,535-2,756,536); deleting either gives the same sequence. VCF-style (leftmost placement, unchanged base first): chr16-2756534-TC-T. GRCh37 (hg19) VCF-style: chr16-2806535-TC-T.
Other names: short protein forms L58fs.
Identifiers: ClinVar variation 4292271 (VCV004292271.1).

ClinVar aggregate classification (germline): Likely pathogenic (1 of 4 stars; one submission).

Conditions:
Intellectual developmental disorder, autosomal dominant 72 (MRD72). Identifiers: Orphanet 652487, MedGen C5830612, MONDO:0957397, OMIM 620439.

Submission:

3billion
Classification: Likely pathogenic for Intellectual developmental disorder, autosomal dominant 72. Last evaluated: 2024-10-25. Review status: criteria provided, single submitter. Criteria: ACMG Guidelines, 2015. Collection method: clinical testing. Allele origin: germline. Affected: yes.
Comment: The variant is not observed in the gnomAD v4.1.0 dataset. Predicted Consequence/Location: Frameshift: predicted to result in a loss or disruption of normal protein function through nonsense-mediated decay (NMD) or protein truncation. Multiple pathogenic variants are reported downstream of the variant. Therefore, this variant is classified as Likely pathogenic according to the recommendation of ACMG/AMP guideline.